The following is an entry in ClinVar:

ClinVar aggregate classification (germline): Uncertain significance. Review status: criteria provided, multiple submitters, no conflicts (2 of 4 stars). 4 submissions from 4 submitters: Uncertain significance (4). Last evaluated 2025-09-10.

Conditions:
Nephrolithiasis/nephrocalcinosis. Identifiers: MedGen CN580796.
Familial hypocalciuric hypercalcemia (FHH). Also called: Familial benign hypercalcemia. Identifiers: Orphanet 405, MedGen C1809471, MONDO:0018458.
Autosomal dominant hypocalcemia 1 (HYPOC1). Also called: HYPOCALCEMIA, FAMILIAL. Identifiers: MedGen C3715128, MONDO:0011013, OMIM 601198.
Familial hypocalciuric hypercalcemia 1. Also called: Hypercalcemia, familial benign type 1. Identifiers: Orphanet 405, Orphanet 93372, MedGen C0342637, MONDO:0007791, OMIM 145980.

Allele frequency attached by ClinVar (database versions not stated): TOPMed below 0.00001.

Submissions (4):

Genomic Medicine Center of Excellence, King Faisal Specialist Hospital and Research Centre
Classification: Uncertain significance for Familial hypocalciuric hypercalcemia 1. Last evaluated: 2025-09-10. Review status: criteria provided, single submitter. Criteria: ACMG Guidelines, 2015. Collection method: clinical testing. Allele origin: germline.

Labcorp Genetics (formerly Invitae), Labcorp
Classification: Uncertain significance for Familial hypocalciuric hypercalcemia; Autosomal dominant hypocalcemia 1. Last evaluated: 2024-07-08. Review status: criteria provided, single submitter. Criteria: Invitae Variant Classification Sherloc (09022015). Collection method: clinical testing. Allele origin: germline.
Comment: This sequence change replaces isoleucine, which is neutral and non-polar, with valine, which is neutral and non-polar, at codon 409 of the CASR protein (p.Ile409Val). This variant is not present in population databases (gnomAD no frequency). This variant has not been reported in the literature in individuals affected with CASR-related conditions. ClinVar contains an entry for this variant (Variation ID: 647718). An algorithm developed to predict the effect of missense changes on protein structure and function (PolyPhen-2) suggests that this variant is likely to be tolerated. In summary, the available evidence is currently insufficient to determine the role of this variant in disease. Therefore, it has been classified as a Variant of Uncertain Significance.

Ambry Genetics
Classification: Uncertain significance for Nephrolithiasis/nephrocalcinosis. Last evaluated: 2022-09-05. Review status: criteria provided, single submitter. Criteria: Ambry Variant Classification Scheme 2023. Collection method: clinical testing. Allele origin: germline.
Comment: The p.I409V variant (also known as c.1225A>G), located in coding exon 3 of the CASR gene, results from an A to G substitution at nucleotide position 1225. The isoleucine at codon 409 is replaced by valine, an amino acid with highly similar properties. This amino acid position is conserved. In addition, this alteration is predicted to be tolerated by in silico analysis. Since supporting evidence is limited at this time, the clinical significance of this alteration remains unclear.

Breakthrough Genomics
Classification: Uncertain significance. Review status: criteria provided, single submitter. Criteria: ACMG Guidelines, 2015. Collection method: not provided. Allele origin: germline. Inheritance: Autosomal recessive inheritance. Affected: yes.

NM_000388.4(CASR):c.1225A>G (p.Ile409Val)

Gene: CASR (calcium sensing receptor; plus strand). Cytogenetic location: 3q21.1.
Variant type: single nucleotide variant.
Coding change: c.1225A>G on transcript NM_000388.4 (MANE Select); coding-DNA position 1225, A replaced by G.
Protein change: p.Ile409Val; replaces isoleucine 409 with valine.
Molecular consequence: missense variant.
Genome position (GRCh38, 1-based): chr3:122,262,260, A>G. VCF-style: chr3-122262260-A-G. GRCh37 (hg19) VCF-style: chr3-121981107-A-G.
Other names: c.1225A>G, p.Ile409Val (NM_001178065.2); short protein forms I409V.
Identifiers: ClinVar variation 647718 (VCV000647718.11), dbSNP rs1576859345, ClinGen allele CA354152859.